The following is an entry in ClinVar:

NM_170784.3(MKKS):c.1190del (p.Leu397fs)

Gene: MKKS (MKKS centrosomal shuttling protein; minus strand). Cytogenetic location: 20p12.2.
Variant type: Deletion.
Coding change: c.1190del on transcript NM_170784.3 (MANE Select); coding-DNA position 1190, one base deleted (T; older notation c.1190delT).
Protein change: p.Leu397fs; shifts the reading frame from leucine 397.
Molecular consequence: frameshift variant. On other transcripts: non-coding transcript variant (1).
Genome position (GRCh38, 1-based): chr20:10,407,698, A deleted on the plus strand (T on the coding strand, the reverse complement: MKKS is on the minus strand). VCF-style (leftmost placement, unchanged base first): chr20-10407697-CA-C. GRCh37 (hg19) VCF-style: chr20-10388345-CA-C.
Other names: c.1190del, p.Leu397fs (NM_018848.3); short protein forms L397fs.
Identifiers: ClinVar variation 2945509 (VCV002945509.3), dbSNP rs2514489097, ClinGen allele CA2740096996.

ClinVar aggregate classification (germline): Pathogenic (1 of 4 stars; one submission).

Conditions:
McKusick-Kaufman syndrome (MKKS). Also called: HYDROMETROCOLPOS SYNDROME; HYDROMETROCOLPOS, POSTAXIAL POLYDACTYLY, AND CONGENITAL HEART MALFORMATION. Identifiers: Orphanet 2473, MedGen C0948368, MONDO:0009367, OMIM 236700.
Bardet-Biedl syndrome (BBS). Identifiers: Orphanet 110, MedGen C0752166, MONDO:0015229.

Submission:

Labcorp Genetics (formerly Invitae), Labcorp
Classification: Pathogenic for McKusick-Kaufman syndrome; Bardet-Biedl syndrome. Last evaluated: 2023-03-19. Review status: criteria provided, single submitter. Criteria: Invitae Variant Classification Sherloc (09022015). Collection method: clinical testing. Allele origin: germline.
Comment: This sequence change creates a premature translational stop signal (p.Leu397Argfs*3) in the MKKS gene. It is expected to result in an absent or disrupted protein product. Loss-of-function variants in MKKS are known to be pathogenic (PMID: 11179009, 28761321, 30614526). This variant is not present in population databases (gnomAD no frequency). This variant has not been reported in the literature in individuals affected with MKKS-related conditions. For these reasons, this variant has been classified as Pathogenic.

Literature cited by the submitters: PubMed 11179009; PubMed 28761321; PubMed 30614526.